The following is an entry in ClinVar:

ClinVar aggregate classification (germline): Uncertain significance (1 of 4 stars; one submission).

Submission:

Labcorp Genetics (formerly Invitae), Labcorp
Classification: Uncertain significance. Last evaluated: 2025-08-25. Review status: criteria provided, single submitter. Criteria: Invitae Variant Classification Sherloc (09022015). Collection method: clinical testing. Allele origin: germline.
Comment: This sequence change replaces threonine, which is neutral and polar, with lysine, which is basic and polar, at codon 138 of the PRPF31 protein (p.Thr138Lys). This variant is not present in population databases (gnomAD no frequency). This missense change has been observed in individuals with retinitis pigmentosa (PMID: 17325180; internal data). An algorithm developed to predict the effect of missense changes on protein structure and function (PolyPhen-2) suggests that this variant is likely to be disruptive. Experimental studies have shown that this missense change affects PRPF31 function (PMID: 33095315). This variant disrupts the p.Thr138 amino acid residue in PRPF31. Other variant(s) that disrupt this residue have been observed in individuals with PRPF31-related conditions (internal data), which suggests that this may be a clinically significant amino acid residue. In summary, the available evidence is currently insufficient to determine the role of this variant in disease. Therefore, it has been classified as a Variant of Uncertain Significance.

Literature cited by the submitters: PubMed 17325180; PubMed 33095315.

NM_015629.4(PRPF31):c.413C>A (p.Thr138Lys)

Genes: PRPF31 (pre-mRNA processing factor 31; plus strand), PRPF31-AS1 (PRPF31 antisense RNA 1; minus strand). Cytogenetic location: 19q13.42.
Variant type: single nucleotide variant.
Coding change: c.413C>A on transcript NM_015629.4 (MANE Select); coding-DNA position 413, C replaced by A.
Protein change: p.Thr138Lys; replaces threonine 138 with lysine.
Molecular consequence: missense variant. On other transcripts: non-coding transcript variant (1).
Genome position (GRCh38, 1-based): chr19:54,122,587, C>A. VCF-style: chr19-54122587-C-A. GRCh37 (hg19) VCF-style: chr19-54625966-C-A.
Other names: short protein forms T138K.
Identifiers: ClinVar variation 4710562 (VCV004710562.1).
Genomic context (GRCh38, chr19:54,122,587, plus strand): 5'-ACTCAAAGAGATTCCCTGAACTGGAGTCCTTGGTCCCCAATGCACTGGATTACATCCGCA[C>A]GGTCAAGGTGAGCGCAGAGAAGGTGGGGTGCTTCTGCTGGCGTGAAGGGGCAGGCGGGGC-3'
Protein context (NP_056444.3, residues 128-148): LVPNALDYIR[Thr138Lys]VKELGNSLDK